The following is an entry in ClinVar:

NM_001290043.2(TAP2):c.2005G>A (p.Ala669Thr)

Gene: TAP2 (transporter 2, ATP binding cassette subfamily B member; minus strand). Cytogenetic location: 6p21.32.
Variant type: single nucleotide variant.
Coding change: c.2005G>A on transcript NM_001290043.2 (MANE Select); coding-DNA position 2005, G replaced by A.
Protein change: p.Ala669Thr; replaces alanine 669 with threonine.
Molecular consequence: missense variant. On other transcripts: intron variant (1).
Genome position (GRCh38, 1-based): chr6:32,828,962, C>T on the plus strand (G>A on the coding strand, the complement: TAP2 is on the minus strand). VCF-style: chr6-32828962-C-T. GRCh37 (hg19) VCF-style: chr6-32796739-C-T.
Other names: c.2005G>A, p.Ala669Thr (NM_000544.3); c.1932+438G>A (NM_018833.3); short protein forms A669T.
Identifiers: ClinVar variation 641118 (VCV000641118.8), dbSNP rs773291187, ClinGen allele CA3745738.
Genomic context (GRCh38, chr6:32,828,962, plus strand): 5'-CCTCCTAGAGCTGGGCAAGCTTCTGCAGCTTGCCCTCCTGGAGCACCAGGATCTGGTGGG[C>T]GCGCTGAACTGTCTGCAGCCTGTGAGCAATCACCAGCACTGTGCGATCCCCACGGGAATT-3'
Protein context (NP_001276972.1, residues 659-679): IAHRLQTVQR[Ala669Thr]HQILVLQEGK

ClinVar aggregate classification (germline): Uncertain significance (1 of 4 stars; one submission).

Conditions:
MHC class I deficiency. Identifiers: Orphanet 34592, MedGen C6024714, MONDO:0011476.

Allele frequency attached by ClinVar (database versions not stated): ExAC 0.00006; gnomAD exomes 0.00004 and 0.00002; TOPMed 0.00007; gnomAD 0.00001.

Submission:

Labcorp Genetics (formerly Invitae), Labcorp
Classification: Uncertain significance for MHC class I deficiency 1. Last evaluated: 2023-07-09. Review status: criteria provided, single submitter. Criteria: Invitae Variant Classification Sherloc (09022015). Collection method: clinical testing. Allele origin: germline.
Comment: This sequence change replaces alanine, which is neutral and non-polar, with threonine, which is neutral and polar, at codon 669 of the TAP2 protein (p.Ala669Thr). The frequency data for this variant in the population databases is considered unreliable, as metrics indicate poor data quality at this position in the gnomAD database. This variant has not been reported in the literature in individuals affected with TAP2-related conditions. ClinVar contains an entry for this variant (Variation ID: 641118). Experimental studies and prediction algorithms are not available or were not evaluated, and the functional significance of this variant is currently unknown. In summary, the available evidence is currently insufficient to determine the role of this variant in disease. Therefore, it has been classified as a Variant of Uncertain Significance.